The following is an entry in ClinVar:

NM_000642.3(AGL):c.3443dup (p.Tyr1148Ter)

Gene: AGL (amylo-alpha-1,6-glucosidase and 4-alpha-glucanotransferase; plus strand). Cytogenetic location: 1p21.2.
Variant type: Duplication.
Coding change: c.3443dup on transcript NM_000642.3 (MANE Select); coding-DNA position 3443, one base duplicated (A; older notation c.3443dupA).
Protein change: p.Tyr1148Ter; replaces tyrosine 1148 with a stop codon.
Molecular consequence: nonsense. On other transcripts: frameshift variant (10).
Genome position (GRCh38, 1-based): chr1:99,900,716, A duplicated. VCF-style (leftmost placement, unchanged base first): chr1-99900715-T-TA. GRCh37 (hg19) VCF-style: chr1-100366271-T-TA.
Other names: c.3443dup, p.Tyr1148Terfs (NM_000028.3, NM_000643.3, NM_000644.3 and 1 more transcripts); c.3395dup, p.Tyr1132Terfs (NM_000646.3); c.3422dup, p.Tyr1141Terfs (NM_001425326.1); c.3242dup, p.Tyr1081Terfs (NM_001425327.1); c.3239dup, p.Tyr1080Terfs (NM_001425328.1); c.3104dup, p.Tyr1035Terfs (NM_001425329.1); c.3065dup, p.Tyr1022Terfs (NM_001425332.1); short protein forms Y1132*, Y1148*.
Identifiers: ClinVar variation 371194 (VCV000371194.4), dbSNP rs1057517079, ClinGen allele CA16040844.
Genomic context (GRCh38, chr1:99,900,715, plus strand): 5'-GCGGGTACCCTGAGGCATGGTCTCATTCCTAATCTACTGGGTGAAGGAATTTATGCCAGA[T>TA]ACAATTGTCGGGATGCTGTGTGGTGGTGGCTGCAGTGTATCCAGGATTACTGTAAAATGG-3'

ClinVar aggregate classification (germline): Pathogenic. Review status: criteria provided, single submitter (1 of 4 stars). 2 submissions from 2 submitters: Pathogenic (1). 1 of the submissions does not count toward it. Last evaluated 2025-11-09.

Conditions:
Glycogen storage disease type III (GSD3). Also called: Cori disease; FORBES DISEASE. Identifiers: Orphanet 366, MedGen C0017922, MONDO:0009291, OMIM 232400.

Submissions (2):

Labcorp Genetics (formerly Invitae), Labcorp
Classification: Pathogenic for Glycogen storage disease type III. Last evaluated: 2025-11-09. Review status: criteria provided, single submitter. Criteria: Invitae Variant Classification Sherloc (09022015). Collection method: clinical testing. Allele origin: germline.
Comment: This sequence change creates a premature translational stop signal (p.Tyr1148*) in the AGL gene. It is expected to result in an absent or disrupted protein product. Loss-of-function variants in AGL are known to be pathogenic (PMID: 19299494). This variant is not present in population databases (gnomAD no frequency). This premature translational stop signal has been observed in individual(s) with glycogen storage disease III (PMID: 11924557, 22089644, 32222031). ClinVar contains an entry for this variant (Variation ID: 371194). Algorithms developed to predict the effect of sequence changes on RNA splicing suggest that this variant may disrupt the consensus splice site. For these reasons, this variant has been classified as Pathogenic.

Counsyl
Classification: Likely pathogenic for Glycogen storage disease type III. Last evaluated: 2016-07-26. Review status: no assertion criteria provided. Collection method: clinical testing. Allele origin: unknown. Not counted in ClinVar's aggregate classification.

Literature cited by the submitters: PubMed 19299494 (cited by Labcorp Genetics (formerly Invitae), Labcorp); PubMed 11924557 (cited by Labcorp Genetics (formerly Invitae), Labcorp); PubMed 22089644 (cited by Labcorp Genetics (formerly Invitae), Labcorp); PubMed 32222031 (cited by Labcorp Genetics (formerly Invitae), Labcorp).